The following is an entry in ClinVar:

NM_016148.5(SHANK1):c.5792C>T (p.Ser1931Leu)

Gene: SHANK1 (SH3 and multiple ankyrin repeat domains 1; minus strand). Cytogenetic location: 19q13.33.
Variant type: single nucleotide variant.
Coding change: c.5792C>T on transcript NM_016148.5 (MANE Select); coding-DNA position 5792, C replaced by T.
Protein change: p.Ser1931Leu; replaces serine 1931 with leucine.
Molecular consequence: missense variant.
Genome position (GRCh38, 1-based): chr19:50,662,659, G>A on the plus strand (C>T on the coding strand, the complement: SHANK1 is on the minus strand). VCF-style: chr19-50662659-G-A. GRCh37 (hg19) VCF-style: chr19-51165916-G-A.
Other names: short protein forms S1931L.
Identifiers: ClinVar variation 4755856 (VCV004755856.1).
Genomic context (GRCh38, chr19:50,662,659, plus strand): 5'-GGCGGCAGAGGTGGTTTGGGCCAGTTCTGAAACAGGCTGCTGACAGGCTTGGAGAGGAGT[G>A]AGGACTGGGAGTCGTCGGAGAGTCTGGAATGTGACAAGGGGGCAGTGGGGGAGGACAGGG-3'
Protein context (NP_057232.2, residues 1921-1941): RQRLSDDSQS[Ser1931Leu]LLSKPVSSLF

ClinVar aggregate classification (germline): Uncertain significance (1 of 4 stars; one submission).

Submission:

GeneDx
Classification: Uncertain significance. Last evaluated: 2025-08-02. Review status: criteria provided, single submitter. Criteria: GeneDx Variant Classification Process June 2021. Collection method: clinical testing. Allele origin: germline. Affected: yes.
Comment: Not observed at significant frequency in large population cohorts (gnomAD); In silico analysis suggests that this missense variant does not alter protein structure/function; Has not been previously published as pathogenic or benign to our knowledge